The following is an entry in ClinVar:

NM_032608.7(MYO18B):c.1115G>A (p.Gly372Glu)

Gene: MYO18B (myosin XVIIIB; plus strand). Cytogenetic location: 22q12.1.
Variant type: single nucleotide variant.
Coding change: c.1115G>A on transcript NM_032608.7 (MANE Select); coding-DNA position 1115, G replaced by A.
Protein change: p.Gly372Glu; replaces glycine 372 with glutamic acid.
Molecular consequence: missense variant.
Genome position (GRCh38, 1-based): chr22:25,769,031, G>A. VCF-style: chr22-25769031-G-A. GRCh37 (hg19) VCF-style: chr22-26164998-G-A.
Other names: c.1115G>A, p.Gly372Glu (NM_001318245.2); short protein forms G372E.
Identifiers: ClinVar variation 1358794 (VCV001358794.5), dbSNP rs267606196, ClinGen allele CA322779589.

ClinVar aggregate classification (germline): Uncertain significance (1 of 4 stars; one submission).

gnomAD v4.1: 4 of 1,611,650 alleles (0.00025%); highest among the groups gnomAD compares: Non-Finnish European, 0.00025%; no homozygotes.

Submission:

Labcorp Genetics (formerly Invitae), Labcorp
Classification: Uncertain significance. Last evaluated: 2022-08-16. Review status: criteria provided, single submitter. Criteria: Invitae Variant Classification Sherloc (09022015). Collection method: clinical testing. Allele origin: germline.
Comment: This sequence change replaces glycine with glutamic acid at codon 372 of the MYO18B protein (p.Gly372Glu). The glycine residue is weakly conserved and there is a moderate physicochemical difference between glycine and glutamic acid. This variant is not present in population databases (gnomAD no frequency). This variant has not been reported in the literature in individuals affected with MYO18B-related conditions. ClinVar contains an entry for this variant (Variation ID: 1358794). Algorithms developed to predict the effect of missense changes on protein structure and function are either unavailable or do not agree on the potential impact of this missense change (SIFT: "Not Available"; PolyPhen-2: "Benign"; Align-GVGD: "Not Available"). In summary, the available evidence is currently insufficient to determine the role of this variant in disease. Therefore, it has been classified as a Variant of Uncertain Significance.